The following is an entry in ClinVar:

ClinVar aggregate classification (germline): Uncertain significance. Review status: criteria provided, multiple submitters, no conflicts (2 of 4 stars). 3 submissions from 3 submitters: Uncertain significance (3). Last evaluated 2025-05-20.

gnomAD v4.1: 75 of 1,613,982 alleles (0.0046%); highest among the groups gnomAD compares: Non-Finnish European, 0.0061%; no homozygotes.

Submissions (3):

Women's Health and Genetics/Laboratory Corporation of America, LabCorp
Classification: Uncertain significance. Last evaluated: 2025-05-20. Review status: criteria provided, single submitter. Criteria: LabCorp Variant Classification Summary - May 2015. Collection method: clinical testing. Allele origin: germline.
Comment: Variant summary: FAT2 c.1525C>A (p.Pro509Thr) results in a non-conservative amino acid change in the encoded protein sequence. Algorithms developed to predict the effect of missense changes on protein structure and function are either unavailable or do not agree on the potential impact of this missense change. The variant allele was found at a frequency of 2.8e-05 in 251426 control chromosomes. The available data on variant occurrences in the general population are insufficient to allow any conclusion about variant significance. To our knowledge, no occurrence of c.1525C>A in individuals affected with Spinocerebellar Ataxia 45 and no experimental evidence demonstrating its impact on protein function have been reported. ClinVar contains an entry for this variant (Variation ID: 2967309). Based on the evidence outlined above, the variant was classified as uncertain significance.

Ambry Genetics
Classification: Uncertain significance. Last evaluated: 2024-04-20. Review status: criteria provided, single submitter. Criteria: Ambry Variant Classification Scheme 2023. Collection method: clinical testing. Allele origin: germline.

Labcorp Genetics (formerly Invitae), Labcorp
Classification: Uncertain significance. Last evaluated: 2024-01-03. Review status: criteria provided, single submitter. Criteria: Invitae Variant Classification Sherloc (09022015). Collection method: clinical testing. Allele origin: germline.
Comment: This sequence change replaces proline, which is neutral and non-polar, with threonine, which is neutral and polar, at codon 509 of the FAT2 protein (p.Pro509Thr). This variant is present in population databases (rs779680737, gnomAD 0.006%). This variant has not been reported in the literature in individuals affected with FAT2-related conditions. Advanced modeling of protein sequence and biophysical properties (such as structural, functional, and spatial information, amino acid conservation, physicochemical variation, residue mobility, and thermodynamic stability) has been performed at Invitae for this missense variant, however the output from this modeling did not meet the statistical confidence thresholds required to predict the impact of this variant on FAT2 protein function. In summary, the available evidence is currently insufficient to determine the role of this variant in disease. Therefore, it has been classified as a Variant of Uncertain Significance.

NM_001447.3(FAT2):c.1525C>A (p.Pro509Thr)

Gene: FAT2 (FAT atypical cadherin 2; minus strand). Cytogenetic location: 5q33.1.
Variant type: single nucleotide variant.
Coding change: c.1525C>A on transcript NM_001447.3 (MANE Select); coding-DNA position 1525, C replaced by A.
Protein change: p.Pro509Thr; replaces proline 509 with threonine.
Molecular consequence: missense variant.
Genome position (GRCh38, 1-based): chr5:151,567,407, G>T on the plus strand (C>A on the coding strand, the complement: FAT2 is on the minus strand). VCF-style: chr5-151567407-G-T. GRCh37 (hg19) VCF-style: chr5-150946968-G-T.
Other names: c.1525C>A (NM_001447.2); short protein forms P509T.
Identifiers: ClinVar variation 2967309 (VCV002967309.5), dbSNP rs779680737, ClinGen allele CA3522244.
Genomic context (GRCh38, chr5:151,567,407, plus strand): 5'-AAATTCTTTTCATGAGTTCATAGTCCATGGGTTTGGAGGTGGAGATGATCCCCAGGTAGG[G>T]GTCAATAGAAAATGGCAAAGCTTTTGGTCCAGCAATGGAATAGGTGACATATCCATTTTC-3'
Protein context (NP_001438.1, residues 499-519): GPKALPFSID[Pro509Thr]YLGIISTSKP